The following is an entry in ClinVar:

ClinVar aggregate classification (germline): Uncertain significance (1 of 4 stars; one submission).

gnomAD v4.1: 27 of 1,613,804 alleles (0.0017%); highest among the groups gnomAD compares: Non-Finnish European, 0.0023%; no homozygotes.

Submission:

GeneDx
Classification: Uncertain significance. Last evaluated: 2017-03-30. Review status: criteria provided, single submitter. Criteria: GeneDx Variant Classification (06012015). Collection method: clinical testing. Allele origin: germline. Affected: yes.
Comment: A variant of uncertain significance has been identified in the PNPO gene. The A84G variant has not been published as a pathogenic variant, nor has it been reported as a benign variant to our knowledge. The A84G variant is not observed in large population cohorts (Lek et al., 2016; 1000 Genomes Consortium et al., 2015; Exome Variant Server). This substitution occurs at a position that is conserved across species. In silico analysis predicts this variant is probably damaging to the protein structure/function. However, the A84G variant is a conservative amino acid substitution, which is not likely to impact secondary protein structure as these residues share similar properties. Therefore, based on the currently available information, it is unclear whether this variant is a pathogenic variant or a rare benign variant.

NM_018129.4(PNPO):c.251C>G (p.Ala84Gly)

Gene: PNPO (pyridoxamine 5'-phosphate oxidase; plus strand). Cytogenetic location: 17q21.32.
Variant type: single nucleotide variant.
Coding change: c.251C>G on transcript NM_018129.4 (MANE Select); coding-DNA position 251, C replaced by G.
Protein change: p.Ala84Gly; replaces alanine 84 with glycine.
Molecular consequence: missense variant.
Genome position (GRCh38, 1-based): chr17:47,943,418, C>G. VCF-style: chr17-47943418-C-G. GRCh37 (hg19) VCF-style: chr17-46020784-C-G.
Other names: short protein forms A84G.
Identifiers: ClinVar variation 426847 (VCV000426847.2), dbSNP rs762138576, ClinGen allele CA291294406.
Genomic context (GRCh38, chr17:47,943,418, plus strand): 5'-CCTGGTTTGAGGAGGCTGTTCAGTGTCCTGACATAGGGGAAGCCAATGCCATGTGTCTGG[C>G]TACCTGCACCAGGTGGGCATGGCTGTGGGCCCCTCTTTGGGTGGATACATATGAACTAGG-3'
Protein context (NP_060599.1, residues 74-94): DIGEANAMCL[Ala84Gly]TCTRDGKPSA